The following is an entry in ClinVar:

ClinVar aggregate classification (germline): Uncertain significance (1 of 4 stars; one submission).

Allele frequency attached by ClinVar (database versions not stated): gnomAD 0.00001; TOPMed 0.00002.
gnomAD v4.1: 51 of 1,613,824 alleles (0.0032%); highest among the groups gnomAD compares: South Asian, 0.012%; no homozygotes.

Submission:

Labcorp Genetics (formerly Invitae), Labcorp
Classification: Uncertain significance. Last evaluated: 2022-08-19. Review status: criteria provided, single submitter. Criteria: Invitae Variant Classification Sherloc (09022015). Collection method: clinical testing. Allele origin: germline.
Comment: This sequence change replaces proline, which is neutral and non-polar, with serine, which is neutral and polar, at codon 2818 of the LRP2 protein (p.Pro2818Ser). This variant is present in population databases (rs772447947, gnomAD 0.02%). This variant has not been reported in the literature in individuals affected with LRP2-related conditions. Algorithms developed to predict the effect of missense changes on protein structure and function output the following: SIFT: "Tolerated"; PolyPhen-2: "Benign"; Align-GVGD: "Class C0". The serine amino acid residue is found in multiple mammalian species, which suggests that this missense change does not adversely affect protein function. Algorithms developed to predict the effect of sequence changes on RNA splicing suggest that this variant may disrupt the consensus splice site. In summary, the available evidence is currently insufficient to determine the role of this variant in disease. Therefore, it has been classified as a Variant of Uncertain Significance.

NM_004525.3(LRP2):c.8452C>T (p.Pro2818Ser)

Gene: LRP2 (LDL receptor related protein 2; minus strand). Cytogenetic location: 2q31.1.
Variant type: single nucleotide variant.
Coding change: c.8452C>T on transcript NM_004525.3 (MANE Select); coding-DNA position 8452, C replaced by T.
Protein change: p.Pro2818Ser; replaces proline 2818 with serine.
Molecular consequence: missense variant.
Genome position (GRCh38, 1-based): chr2:169,201,628, G>A on the plus strand (C>T on the coding strand, the complement: LRP2 is on the minus strand). VCF-style: chr2-169201628-G-A. GRCh37 (hg19) VCF-style: chr2-170058138-G-A.
Other names: short protein forms P2818S.
Identifiers: ClinVar variation 2086164 (VCV002086164.1), dbSNP rs772447947, ClinGen allele CA1953865.